The following is an entry in ClinVar:

NM_002291.3(LAMB1):c.2384G>A (p.Arg795Gln)

Gene: LAMB1 (laminin subunit beta 1; minus strand). Cytogenetic location: 7q31.1.
Variant type: single nucleotide variant.
Coding change: c.2384G>A on transcript NM_002291.3 (MANE Select); coding-DNA position 2384, G replaced by A.
Protein change: p.Arg795Gln; replaces arginine 795 with glutamine.
Molecular consequence: missense variant.
Genome position (GRCh38, 1-based): chr7:107,959,765, C>T on the plus strand (G>A on the coding strand, the complement: LAMB1 is on the minus strand). VCF-style: chr7-107959765-C-T. GRCh37 (hg19) VCF-style: chr7-107600210-C-T.
Other names: short protein forms R795Q.
Identifiers: ClinVar variation 2483236 (VCV002483236.4), dbSNP rs1236001507, ClinGen allele CA368868187.
Genomic context (GRCh38, chr7:107,959,765, plus strand): 5'-GGGCCAAAGCCAAAAGTTCCAGGTGCACATCTGTTGCAGGTTCTTCCAACCACGTTGGGC[C>T]GGCACTGGCACTGGCCTCCGTTGGGATCACACACGGAACTTAACGAACCCTGAGGGTCGC-3'
Protein context (NP_002282.2, residues 785-805): CDPNGGQCQC[Arg795Gln]PNVVGRTCNR

ClinVar aggregate classification (germline): Uncertain significance. Review status: criteria provided, multiple submitters, no conflicts (2 of 4 stars). 2 submissions from 2 submitters: Uncertain significance (2). Last evaluated 2025-08-25.

Conditions:
Cobblestone lissencephaly without muscular or ocular involvement. Also called: Lissencephaly 5; LEUKOENCEPHALOPATHY WITH VARIABLE CORTICAL BRAIN MALFORMATIONS AND/OR HYDROCEPHALUS. Identifiers: Orphanet 352682, MedGen C3554657, MONDO:0014077, OMIM 615191.
Inborn genetic diseases. Identifiers: MedGen C0950123, MeSH D030342.

Allele frequency attached by ClinVar (database versions not stated): gnomAD 0.00001; gnomAD exomes 0.00001; TOPMed 0.00001.
gnomAD v4.1: 10 of 1,613,964 alleles (0.00062%); highest among the groups gnomAD compares: South Asian, 0.0011%; no homozygotes.

Submissions (2):

Ambry Genetics
Classification: Uncertain significance for Inborn genetic diseases. Last evaluated: 2025-08-25. Review status: criteria provided, single submitter. Criteria: Ambry Variant Classification Scheme 2023. Collection method: clinical testing. Allele origin: germline.

Daryl Scott Lab, Baylor College of Medicine
Classification: Uncertain significance for Cobblestone lissencephaly without muscular or ocular involvement. Review status: criteria provided, single submitter. Criteria: ACMG Guidelines, 2015. Collection method: clinical testing. Allele origin: maternal. Affected: yes. Observed: 1 compound heterozygote.
Comment: PM2, PP3;